The following is an entry in ClinVar:

NM_006904.7(PRKDC):c.1387A>G (p.Lys463Glu)

Gene: PRKDC (protein kinase, DNA-activated, catalytic subunit; minus strand). Cytogenetic location: 8q11.21.
Variant type: single nucleotide variant.
Coding change: c.1387A>G on transcript NM_006904.7 (MANE Select); coding-DNA position 1387, A replaced by G.
Protein change: p.Lys463Glu; replaces lysine 463 with glutamic acid.
Molecular consequence: missense variant.
Genome position (GRCh38, 1-based): chr8:47,935,792, T>C on the plus strand (A>G on the coding strand, the complement: PRKDC is on the minus strand). VCF-style: chr8-47935792-T-C. GRCh37 (hg19) VCF-style: chr8-48848352-T-C.
Other names: c.1387A>G, p.Lys463Glu (NM_001081640.2); short protein forms K463E.
Identifiers: ClinVar variation 3225744 (VCV003225744.1), dbSNP rs1230671182, ClinGen allele CA371165783.
Genomic context (GRCh38, chr8:47,935,792, plus strand): 5'-CCACAGTACTAATGCAATTCCTGAGAACTGGCCCTTTTGCTGCCAAAGCTAGGAACACCT[T>C]CACTATGGCTCTGCAACACACCAGCTGCATTTTTGGACTGTACTGTGGGAAACTGTCTAT-3'
Protein context (NP_008835.5, residues 453-473): MQLVCCRAIV[Lys463Glu]VFLALAAKGP

ClinVar aggregate classification (germline): Uncertain significance (1 of 4 stars; one submission).

Submission:

Ambry Genetics
Classification: Uncertain significance. Last evaluated: 2023-10-19. Review status: criteria provided, single submitter. Criteria: Ambry Variant Classification Scheme 2023. Collection method: clinical testing. Allele origin: germline.
Comment: The p.K463E variant (also known as c.1387A>G), located in coding exon 13 of the PRKDC gene, results from an A to G substitution at nucleotide position 1387. The lysine at codon 463 is replaced by glutamic acid, an amino acid with similar properties. This amino acid position is conserved. In addition, this alteration is predicted to be tolerated by in silico analysis. Since supporting evidence is limited at this time, the clinical significance of this alteration remains unclear.